The following is an entry in ClinVar:

NM_000243.3(MEFV):c.268_271del (p.Ala90fs)

Gene: MEFV (MEFV innate immunity regulator, pyrin; minus strand). Cytogenetic location: 16p13.3.
Variant type: Deletion.
Coding change: c.268_271del on transcript NM_000243.3 (MANE Select); coding-DNA positions 268 to 271, 4 bases deleted (GCCA; older notation c.268_271delGCCA).
Protein change: p.Ala90fs; shifts the reading frame from alanine 90.
Molecular consequence: frameshift variant.
Genome position (GRCh38, 1-based): chr16:3,256,317-3,256,320, TGGC deleted on the plus strand (GCCA on the coding strand, the reverse complement: MEFV is on the minus strand); deleting any 4 consecutive bases within chr16:3,256,317-3,256,322 gives the same sequence; the c. name uses the placement nearest the transcript's 3' end. VCF-style (leftmost placement, unchanged base first): chr16-3256316-ATGGC-A. GRCh37 (hg19) VCF-style: chr16-3306316-ATGGC-A.
Other names: c.268_271del, p.Ala90fs (NM_001198536.2); short protein forms A90fs.
Identifiers: ClinVar variation 2428310 (VCV002428310.5), dbSNP rs2543159302, ClinGen allele CA493384361.
Genomic context (GRCh38, chr16:3,256,316, plus strand): 5'-CCACAAAGCAGCCAGCACTCAGCACTGGATGAGGAGGAGGCCTGGGCCCGCTTACCCTGA[ATGGC>A]TGCCCTGTGGAGCTCCTCGGCCAGCAGGCGCTGGTTGATGGCCCGCAGGACCTGCAGGGT-3'

ClinVar aggregate classification (germline): Uncertain significance (1 of 4 stars; one submission).

Conditions:
Familial Mediterranean fever (FMF). Also called: POLYSEROSITIS, FAMILIAL PAROXYSMAL; POLYSEROSITIS, RECURRENT; Periodic peritonitis; Benign paroxysmal peritonitis. Identifiers: Orphanet 342, MedGen C0031069, MONDO:0018088, OMIM 249100. Disease mechanism: gain of function.

Submission:

Labcorp Genetics (formerly Invitae), Labcorp
Classification: Uncertain significance for Familial Mediterranean fever. Last evaluated: 2022-08-08. Review status: criteria provided, single submitter. Criteria: Invitae Variant Classification Sherloc (09022015). Collection method: clinical testing. Allele origin: germline.
Comment: This sequence change creates a premature translational stop signal (p.Ala90Phefs*28) in the MEFV gene. It is expected to result in an absent or disrupted protein product. However, the current clinical and genetic evidence is not sufficient to establish whether loss-of-function variants in MEFV cause disease. This variant is not present in population databases (gnomAD no frequency). This variant has not been reported in the literature in individuals affected with MEFV-related conditions. In summary, the available evidence is currently insufficient to determine the role of this variant in disease. Therefore, it has been classified as a Variant of Uncertain Significance.